The following is an entry in ClinVar:

NM_000138.5(FBN1):c.8005G>T (p.Gly2669Cys)

Gene: FBN1 (fibrillin 1; minus strand). Cytogenetic location: 15q21.1.
Variant type: single nucleotide variant.
Coding change: c.8005G>T on transcript NM_000138.5 (MANE Select); coding-DNA position 8005, G replaced by T.
Protein change: p.Gly2669Cys; replaces glycine 2669 with cysteine.
Molecular consequence: missense variant.
Genome position (GRCh38, 1-based): chr15:48,415,582, C>A on the plus strand (G>T on the coding strand, the complement: FBN1 is on the minus strand). VCF-style: chr15-48415582-C-A. GRCh37 (hg19) VCF-style: chr15-48707779-C-A.
Other names: p.G2669C:GGT>TGT; short protein forms G2669C.
Identifiers: ClinVar variation 200125 (VCV000200125.16), dbSNP rs794728281, ClinGen allele CA017505.
Genomic context (GRCh38, chr15:48,415,582, plus strand): 5'-AGAGCACTGCTTACCCTTGGCCTATGCGGAAGTAACCAGGTGGACAGCCACACAGGTAAC[C>A]GCCCTCGGTATTGGAACAGCCATAGCTGCAGGGGGCCTGCGCAGAGCCACATTCATTGAT-3'
Protein context (NP_000129.3, residues 2659-2679): CSYGCSNTEG[Gly2669Cys]YLCGCPPGYF

ClinVar aggregate classification (germline): Pathogenic/Likely pathogenic. Review status: criteria provided, multiple submitters, no conflicts (2 of 4 stars). 3 submissions from 3 submitters: Pathogenic (1); Likely pathogenic (2). Last evaluated 2024-07-18.

Conditions:
Marfan syndrome (MFS). Also called: MARFAN SYNDROME, TYPE I; FBN1-Related Marfan Syndrome; Marfan syndrome, classic; Marfan syndrome type 1; Marfan's syndrome. Identifiers: Orphanet 284963, Orphanet 558, MedGen C0024796, MONDO:0007947, OMIM 154700.
Familial thoracic aortic aneurysm and aortic dissection (TAAD). Also called: Thoracic aortic aneurysms and dissections. Identifiers: Orphanet 91387, MedGen C4707243, MONDO:0019625.

Submissions (3):

Ambry Genetics
Classification: Likely pathogenic for Familial thoracic aortic aneurysm and aortic dissection. Last evaluated: 2024-07-18. Review status: criteria provided, single submitter. Criteria: Ambry Variant Classification Scheme 2023. Collection method: clinical testing. Allele origin: germline.
Comment: The p.G2669C variant (also known as c.8005G>T), located in coding exon 63 of the FBN1 gene, results from a G to T substitution at nucleotide position 8005. The glycine at codon 2669 is replaced by cysteine, an amino acid with highly dissimilar properties, and is located in the cbEGF #43 domain. The majority of FBN1 mutations identified to date have involved the substitution or generation of cysteine residues within cbEGF domains (Vollbrandt T et al. J Biol Chem. 2004;279(31):32924-32931). This alteration has been detected in an infant with skeletal features of Marfan syndrome (MFS) and positive family history of MFS (Baudhuin LM et al. J Hum Genet. 2015;60(5):241-52). Another variant at the same codon, p.G2669V (c.8006G>T), has been reported to occur de novo in an individual with classic MFS (Stheneur C et al. Eur J Hum Genet. 2009; 17(9):1121-8). This amino acid position is highly conserved in available vertebrate species. In addition, this alteration is predicted to be deleterious by in silico analysis. This variant is considered to be rare based on population cohorts in the Genome Aggregation Database (gnomAD). Based on the majority of available evidence to date, this variant is likely to be pathogenic.

GeneDx
Classification: Likely pathogenic. Last evaluated: 2022-08-01. Review status: criteria provided, single submitter. Criteria: GeneDx Variant Classification Process June 2021. Collection method: clinical testing. Allele origin: germline. Affected: yes.
Comment: Not observed at significant frequency in large population cohorts (gnomAD); In silico analysis supports that this missense variant has a deleterious effect on protein structure/function; Introduces a new cysteine residue within a calcium-binding EGF-like domain of the FBN1 gene, which may affect disulfide bonding and is predicted to alter the structure and function of the protein; cysteine substitutions in the calcium-binding EGF-like domains represent the majority of pathogenic missense changes associated with FBN1-related disorders (Collod-Beroud et al., 2003); This variant is associated with the following publications: (PMID: 25652356, 10486319, 12938084)

Labcorp Genetics (formerly Invitae), Labcorp
Classification: Pathogenic for Marfan syndrome; Familial thoracic aortic aneurysm and aortic dissection. Last evaluated: 2022-03-14. Review status: criteria provided, single submitter. Criteria: Invitae Variant Classification Sherloc (09022015). Collection method: clinical testing. Allele origin: germline.
Comment: Advanced modeling of protein sequence and biophysical properties (such as structural, functional, and spatial information, amino acid conservation, physicochemical variation, residue mobility, and thermodynamic stability) performed at Invitae indicates that this missense variant is expected to disrupt FBN1 protein function. For these reasons, this variant has been classified as Pathogenic. ClinVar contains an entry for this variant (Variation ID: 200125). This missense change has been observed in individual(s) with Marfan syndrome (PMID: 25652356; Invitae). This variant is not present in population databases (gnomAD no frequency). This sequence change replaces glycine, which is neutral and non-polar, with cysteine, which is neutral and slightly polar, at codon 2669 of the FBN1 protein (p.Gly2669Cys).

Literature cited by the submitters: PubMed 19293843 (cited by Ambry Genetics); PubMed 25652356 (cited by Ambry Genetics and Labcorp Genetics (formerly Invitae), Labcorp); PubMed 38702915 (cited by Ambry Genetics).